The following is an entry in ClinVar:

ClinVar aggregate classification (germline): Pathogenic. Review status: criteria provided, single submitter (1 of 4 stars). 2 submissions from 2 submitters: Pathogenic (1). 1 of the submissions does not count toward it. Last evaluated 2016-11-16.

Conditions:
Sideroblastic anemia 2. Also called: Anemia, sideroblastic, 2, pyridoxine-refractory. Identifiers: Orphanet 260305, MedGen C4225425, MONDO:0008785, OMIM 205950.

gnomAD v4.1: 1 of 1,614,178 alleles (0.000062%); no homozygotes.

Submissions (2):

GeneDx
Classification: Pathogenic. Last evaluated: 2016-11-16. Review status: criteria provided, single submitter. Criteria: GeneDx Variant Classification (06012015). Collection method: clinical testing. Allele origin: germline. Affected: yes.
Comment: The Q56X variant in the SLC25A38 gene has not been reported previously as a pathogenic variant nor as a benign variant, to our knowledge. This variant is predicted to cause loss of normal protein function either through protein truncation or nonsense-mediated mRNA decay. The Q56X variant was not observed in approximately 6500 individuals of European and African American ancestry in the NHLBI Exome Sequencing Project, indicating it is not a common benign variant in these populations. We interpret Q56X as a pathogenic variant.

Genetic Lab, Shahid Chamran University of Ahvaz
Classification: Pathogenic for Sideroblastic anemia 2. Last evaluated: 2023-07-23. Review status: no assertion criteria provided. Collection method: research. Allele origin: germline. Inheritance: Autosomal recessive inheritance. Affected: yes. Not counted in ClinVar's aggregate classification.
Comment: The c.166 C>T (p.Gln56Ter), is a nonsense variant in exon 2 of SLC25A38 gene, consists of a C to T substitution at nucleotide position 166. This variant induces an early termination codon and is predicted to result in loss of function by premature termination of translation or nonsense mediated mRNA decay (NMD). The results of real-time PCR also showed that the level of mRNA expression of the gene in the patient with nonsense variant was significantly down-regulated compared to the normal person (p<0.001). It is possible that this decrease in expression is due to the NMD process which can cause degregation of a large part of the mRNA in the patient. Therefore, the SLC25A38 protein is produced in a very small amount inside the cell and due to important role of the SLC25A38 protein in the heme biosynthesis, leading to the disruption of the heme biosynthesis pathway, which knowlingly causes severe anemia. This variant has been reported as pathogenic by GeneDx company in ClinVar (SCV000491796.2).

Literature cited by the submitters: DOI 10.1016/j.humgen.2023.201256 (cited by Genetic Lab, Shahid Chamran University of Ahvaz).

NM_017875.4(SLC25A38):c.166C>T (p.Gln56Ter)

Gene: SLC25A38 (solute carrier family 25 member 38; plus strand). Cytogenetic location: 3p22.1.
Variant type: single nucleotide variant.
Coding change: c.166C>T on transcript NM_017875.4 (MANE Select); coding-DNA position 166, C replaced by T.
Protein change: p.Gln56Ter; replaces glutamine 56 with a stop codon.
Molecular consequence: nonsense.
Genome position (GRCh38, 1-based): chr3:39,389,591, C>T. VCF-style: chr3-39389591-C-T. GRCh37 (hg19) VCF-style: chr3-39431082-C-T.
Other names: c.166C>T, p.Gln56Ter (LRG_1133t1, NM_001354798.2); short protein forms Q56*.
Identifiers: ClinVar variation 373218 (VCV000373218.2), dbSNP rs866266558, ClinGen allele CA16042496.